The following is an entry in ClinVar:

NM_003859.3(DPM1):c.22C>T (p.Arg8Cys)

Genes: DPM1 (dolichyl-phosphate mannosyltransferase subunit 1, catalytic; minus strand), LOC130066166 (ATAC-STARR-seq lymphoblastoid active region 18108; plus strand). Cytogenetic location: 20q13.13.
Variant type: single nucleotide variant.
Coding change: c.22C>T on transcript NM_003859.3 (MANE Select); coding-DNA position 22, C replaced by T.
Protein change: p.Arg8Cys; replaces arginine 8 with cysteine.
Molecular consequence: missense variant. On other transcripts: non-coding transcript variant (1).
Genome position (GRCh38, 1-based): chr20:50,958,502, G>A on the plus strand (C>T on the coding strand, the complement: DPM1 is on the minus strand). VCF-style: chr20-50958502-G-A. GRCh37 (hg19) VCF-style: chr20-49575039-G-A.
Other names: c.22C>T, p.Arg8Cys (NM_001317034.1, NM_001317035.1, NM_001317036.1); short protein forms R8C.
Identifiers: ClinVar variation 259186 (VCV000259186.16), dbSNP rs201392536, ClinGen allele CA9909270.

ClinVar aggregate classification (germline): Conflicting classifications of pathogenicity. Review status: criteria provided, conflicting classifications (1 of 4 stars). 4 submissions from 4 submitters: Uncertain significance (2); Likely benign (2). Last evaluated 2025-08-18.

Conditions:
Congenital disorder of glycosylation type 1E (CDG1E). Also called: CDG Ie; CONGENITAL DISORDER OF GLYCOSYLATION, TYPE Ie. Identifiers: Orphanet 79322, MedGen C1837396, MONDO:0012123, OMIM 608799.

Allele frequency attached by ClinVar (database versions not stated): 1000 Genomes Project 30x 0.00047; TOPMed 0.00018; gnomAD 0.00029; 1000 Genomes Project 0.00060.
gnomAD v4.1: 222 of 1,613,770 alleles (0.014%); highest among the groups gnomAD compares: East Asian, 0.18%; no homozygotes.

Submissions (4):

Labcorp Genetics (formerly Invitae), Labcorp
Classification: Likely benign for Congenital disorder of glycosylation type 1E. Last evaluated: 2025-08-18. Review status: criteria provided, single submitter. Criteria: Invitae Variant Classification Sherloc (09022015). Collection method: clinical testing. Allele origin: germline.

GeneDx
Classification: Uncertain significance. Last evaluated: 2020-09-15. Review status: criteria provided, single submitter. Criteria: GeneDx Variant Classification Process June 2021. Collection method: clinical testing. Allele origin: germline. Affected: yes.
Comment: In silico analysis supports that this missense variant does not alter protein structure/function; Has not been previously published as pathogenic or benign to our knowledge

Illumina Laboratory Services, Illumina
Classification: Uncertain significance for Congenital disorder of glycosylation type 1E. Last evaluated: 2018-01-12. Review status: criteria provided, single submitter. Criteria: ICSL Variant Classification Criteria 13 December 2019. Collection method: clinical testing. Allele origin: germline.

PreventionGenetics, part of Exact Sciences
Classification: Likely benign. Review status: criteria provided, single submitter. Criteria: ACMG Guidelines, 2015. Collection method: clinical testing. Allele origin: germline.